The following is an entry in ClinVar:

ClinVar aggregate classification (germline): Pathogenic. Review status: criteria provided, multiple submitters, no conflicts (2 of 4 stars). 2 submissions from 2 submitters: Pathogenic (2). Last evaluated 2023-12-01.

Conditions:
Methylcobalamin deficiency type cblG (HMAG). Also called: HOMOCYSTINURIA-MEGALOBLASTIC ANEMIA, cblG COMPLEMENTATION TYPE; HOMOCYSTINURIA-MEGALOBLASTIC ANEMIA DUE TO DEFECT IN COBALAMIN METABOLISM, cblG COMPLEMENTATION TYPE; HOMOCYSTINURIA-MEGALOBLASTIC ANEMIA, cblG TYPE; Functional methionine synthase deficiency type cblG. Identifiers: Orphanet 2170, Orphanet 622, MedGen C1855128, MONDO:0009609, OMIM 250940.

Submissions (2):

CeGaT Center for Human Genetics Tuebingen
Classification: Pathogenic. Last evaluated: 2023-12-01. Review status: criteria provided, single submitter. Criteria: CeGaT Center For Human Genetics Tuebingen Variant Classification Criteria Version 2. Collection method: clinical testing. Allele origin: germline. Affected: yes. Observed: 2 variant alleles.
Comment: MTR: PVS1, PM2, PP4

Labcorp Genetics (formerly Invitae), Labcorp
Classification: Pathogenic for Methylcobalamin deficiency type cblG. Last evaluated: 2023-07-15. Review status: criteria provided, single submitter. Criteria: Invitae Variant Classification Sherloc (09022015). Collection method: clinical testing. Allele origin: germline.
Comment: This variant is not present in population databases (gnomAD no frequency). For these reasons, this variant has been classified as Pathogenic. This variant has not been reported in the literature in individuals affected with MTR-related conditions. This sequence change creates a premature translational stop signal (p.His307Glnfs*30) in the MTR gene. It is expected to result in an absent or disrupted protein product. Loss-of-function variants in MTR are known to be pathogenic (PMID: 9683607, 12068375).

Literature cited by the submitters: PubMed 9683607 (cited by Labcorp Genetics (formerly Invitae), Labcorp); PubMed 12068375 (cited by Labcorp Genetics (formerly Invitae), Labcorp).

NM_000254.3(MTR):c.920dup (p.His307fs)

Gene: MTR (5-methyltetrahydrofolate-homocysteine methyltransferase; plus strand). Cytogenetic location: 1q43.
Variant type: Duplication.
Coding change: c.920dup on transcript NM_000254.3 (MANE Select); coding-DNA position 920, one base duplicated (A; older notation c.920dupA).
Protein change: p.His307fs; shifts the reading frame from histidine 307.
Molecular consequence: frameshift variant. On other transcripts: 5 prime UTR variant (1).
Genome position (GRCh38, 1-based): chr1:236,825,392, A duplicated. VCF-style (leftmost placement, unchanged base first): chr1-236825391-C-CA. GRCh37 (hg19) VCF-style: chr1-236988691-C-CA.
Other names: c.920dup, p.His307fs (NM_001291939.1, NM_001410942.1); c.-189dup (NM_001291940.2); short protein forms H307fs.
Identifiers: ClinVar variation 2582874 (VCV002582874.28), dbSNP rs2527985401, ClinGen allele CA2582342440.